The following is an entry in ClinVar:

ClinVar aggregate classification (germline): Likely pathogenic (1 of 4 stars; one submission).

Conditions:
DCC-related disorder. Also called: DCC-related condition.

Submission:

PreventionGenetics, part of Exact Sciences
Classification: Likely pathogenic for DCC-related condition. Last evaluated: 2023-01-31. Review status: criteria provided, single submitter. Criteria: ACMG Guidelines, 2015. Collection method: clinical testing. Allele origin: germline.
Comment: The DCC c.2828-1G>A variant is predicted to disrupt the AG splice acceptor site and interfere with normal splicing. To our knowledge, this variant has not been reported in the literature or in a large population database, indicating this variant is rare. Variants that disrupt the consensus splice acceptor site in DCC are expected to be pathogenic. This variant is interpreted as likely pathogenic.

NM_005215.4(DCC):c.2828-1G>A

Gene: DCC (DCC netrin 1 receptor; plus strand). Cytogenetic location: 18q21.2.
Variant type: single nucleotide variant.
Coding change: c.2828-1G>A on transcript NM_005215.4 (MANE Select); the canonical splice acceptor site of the intron before coding-DNA position 2828, G replaced by A.
Molecular consequence: splice acceptor variant.
Genome position (GRCh38, 1-based): chr18:53,402,785, G>A. VCF-style: chr18-53402785-G-A. GRCh37 (hg19) VCF-style: chr18-50929155-G-A.
Identifiers: ClinVar variation 2630487 (VCV002630487.1), dbSNP rs2511378972, ClinGen allele CA402472597.
Genomic context (GRCh38, chr18:53,402,785, plus strand): 5'-CAACAATGTTTATTTTCTTTCACATCCAATGACAAGGCCTTATCTCTGTCTCACCTCACA[G>A]CCCCCACCTCTGCTCCCAAGGACTTGACAGTCATTACTAGGGAAGGGAAGCCTCGTGCCG-3'